The following is an entry in ClinVar:

ClinVar aggregate classification (germline): Pathogenic. Review status: criteria provided, multiple submitters, no conflicts (2 of 4 stars). 2 submissions from 2 submitters: Pathogenic (2). Last evaluated 2025-02-27.

Conditions:
Townes-Brocks syndrome 1 (TBS1). Also called: DEAFNESS, SENSORINEURAL, WITH IMPERFORATE ANUS AND THUMB ANOMALIES; REAR SYNDROME; RENAL-EAR-ANAL-RADIAL SYNDROME; SALL1-Related Townes-Brocks Syndrome. Identifiers: Orphanet 857, MedGen C4551481, MONDO:0054581, OMIM 107480.

Submissions (2):

Centre de Biologie Pathologie Génétique, Centre Hospitalier Universitaire de Lille
Classification: Pathogenic for Townes-Brocks syndrome 1. Last evaluated: 2025-02-27. Review status: criteria provided, single submitter. Criteria: ACMG Guidelines, 2015. Collection method: clinical testing. Allele origin: unknown. Inheritance: Autosomal dominant inheritance. Affected: yes.
Comment: PVS1 + PM2 + PP4

Molecular Diagnostics Laboratory, M Health Fairview: University of Minnesota
Classification: Pathogenic for Townes-Brocks syndrome 1. Last evaluated: 2023-11-14. Review status: criteria provided, single submitter. Criteria: ACMG Guidelines, 2015. Collection method: clinical testing. Allele origin: germline. Affected: yes.

NM_002968.3(SALL1):c.1148del (p.Leu383fs)

Gene: SALL1 (spalt like transcription factor 1; minus strand). Cytogenetic location: 16q12.1.
Variant type: Deletion.
Coding change: c.1148del on transcript NM_002968.3 (MANE Select); coding-DNA position 1148, one base deleted (T; older notation c.1148delT).
Protein change: p.Leu383fs; shifts the reading frame from leucine 383.
Molecular consequence: frameshift variant.
Genome position (GRCh38, 1-based): chr16:51,141,074, A deleted on the plus strand (T on the coding strand, the reverse complement: SALL1 is on the minus strand); the first of 3 consecutive A bases (chr16:51,141,074-51,141,076); deleting any one gives the same sequence. VCF-style (leftmost placement, unchanged base first): chr16-51141073-TA-T. GRCh37 (hg19) VCF-style: chr16-51174984-TA-T.
Other names: p.Leu383Tyrfs*2; c.857del, p.Leu286fs (NM_001127892.2); short protein forms L286fs, L383fs.
Identifiers: ClinVar variation 2687773 (VCV002687773.2), dbSNP rs2506493436, ClinGen allele CA2695223383.